The following is an entry in ClinVar:

NC_000009.11:g.(?_80018142)_(80018247_?)dup

Gene: VPS13A (vacuolar protein sorting 13 homolog A; plus strand). Cytogenetic location: 9q21.2.
Variant type: Duplication.
Identifiers: ClinVar variation 2427130 (VCV002427130.4).

ClinVar aggregate classification (germline): Likely pathogenic (1 of 4 stars; one submission).

Submission:

Labcorp Genetics (formerly Invitae), Labcorp
Classification: Likely pathogenic. Last evaluated: 2021-11-30. Review status: criteria provided, single submitter. Criteria: Invitae Variant Classification Sherloc (09022015). Collection method: clinical testing. Allele origin: germline.
Comment: In summary, the currently available evidence indicates that the variant is pathogenic, but additional data are needed to prove that conclusively. Therefore, this variant has been classified as Likely Pathogenic. This variant has not been reported in the literature in individuals affected with VPS13A-related conditions. This variant results in a copy number gain of the genomic region encompassing exon(s) 69 of the VPS13A gene. While the exact position of this variant cannot be determined from the data, sub-genic copy number gains are generally in tandem (PMID: 25640679). This variant is predicted to be out-of-frame, and may result in an absent or disrupted protein product. Loss-of-function variants in VPS13A are known to be pathogenic (PMID: 12404112, 21598378).

Literature cited by the submitters: PubMed 25640679; PubMed 12404112; PubMed 21598378.